The following is an entry in ClinVar:

ClinVar aggregate classification (germline): Uncertain significance (1 of 4 stars; one submission).

Conditions:
SCN11A-related disorder. Also called: SCN11A-related condition.

gnomAD v4.1: 6 of 1,611,508 alleles (0.00037%); highest among the groups gnomAD compares: Non-Finnish European, 0.00042%; no homozygotes.

Submission:

PreventionGenetics, part of Exact Sciences
Classification: Uncertain significance for SCN11A-related condition. Last evaluated: 2026-04-24. Review status: criteria provided, single submitter. Criteria: ACMG Guidelines, 2015. Collection method: clinical testing. Allele origin: germline.
Comment: The SCN11A c.2345C>T variant is predicted to result in the amino acid substitution p.Ala782Val. To our knowledge, this variant has not been reported in the literature. This variant is reported in 0.00088% of alleles in individuals of European (non-Finnish) descent in gnomAD. At this time, the clinical significance of this variant is uncertain due to the absence of conclusive functional and genetic evidence.

NM_001349253.2(SCN11A):c.2345C>T (p.Ala782Val)

Gene: SCN11A (sodium voltage-gated channel alpha subunit 11; minus strand). Cytogenetic location: 3p22.2.
Variant type: single nucleotide variant.
Coding change: c.2345C>T on transcript NM_001349253.2 (MANE Select); coding-DNA position 2345, C replaced by T.
Protein change: p.Ala782Val; replaces alanine 782 with valine.
Molecular consequence: missense variant.
Genome position (GRCh38, 1-based): chr3:38,896,903, G>A on the plus strand (C>T on the coding strand, the complement: SCN11A is on the minus strand). VCF-style: chr3-38896903-G-A. GRCh37 (hg19) VCF-style: chr3-38938394-G-A.
Other names: c.2345C>T, p.Ala782Val (NM_014139.3); short protein forms A782V.
Identifiers: ClinVar variation 4982935 (VCV004982935.1).